The following is an entry in ClinVar:

NM_000038.6(APC):c.3211C>T (p.Gln1071Ter)

Gene: APC (APC regulator of Wnt signaling pathway; plus strand). Cytogenetic location: 5q22.2.
Variant type: single nucleotide variant.
Coding change: c.3211C>T on transcript NM_000038.6 (MANE Select); coding-DNA position 3211, C replaced by T.
Protein change: p.Gln1071Ter; replaces glutamine 1071 with a stop codon.
Molecular consequence: nonsense.
Genome position (GRCh38, 1-based): chr5:112,838,805, C>T. VCF-style: chr5-112838805-C-T. GRCh37 (hg19) VCF-style: chr5-112174502-C-T.
Other names: c.3211C>T, p.Gln1071Ter (NM_001127510.3, NM_001354895.2); c.3157C>T, p.Gln1053Ter (NM_001127511.3); c.3265C>T, p.Gln1089Ter (NM_001354896.2); c.3241C>T, p.Gln1081Ter (NM_001354897.2); c.3136C>T, p.Gln1046Ter (NM_001354898.2); c.3127C>T, p.Gln1043Ter (NM_001354899.2); c.3088C>T, p.Gln1030Ter (NM_001354900.2); c.3034C>T, p.Gln1012Ter (NM_001354901.2); and 5 more; short protein forms Q1053*, Q1071*, Q1012*, Q1030*, Q945*, Q970*, Q980*, Q1089*.
Identifiers: ClinVar variation 232078 (VCV000232078.22), dbSNP rs876659539, ClinGen allele CA10578352.

ClinVar aggregate classification (germline): Pathogenic. Review status: criteria provided, multiple submitters, no conflicts (2 of 4 stars). 5 submissions from 5 submitters: Pathogenic (5). Last evaluated 2025-11-18.

Conditions:
Hereditary cancer-predisposing syndrome. Also called: Neoplastic Syndromes, Hereditary; Tumor predisposition; Hereditary Cancer Syndrome; Hereditary neoplastic syndrome. Identifiers: Orphanet 140162, MedGen C0027672, MeSH D009386, MONDO:0015356.
Familial adenomatous polyposis 1 (FAP1). Also called: FAMILIAL ADENOMATOUS POLYPOSIS 1, ATTENUATED; POLYPOSIS, ADENOMATOUS INTESTINAL. Identifiers: MedGen C2713442, MONDO:0021056, OMIM 175100. Disease mechanism: loss of function.

Allele frequency attached by ClinVar (database versions not stated): gnomAD exomes below 0.00001.
gnomAD v4.1: 1 of 1,614,092 alleles (0.000062%); highest among the groups gnomAD compares: Non-Finnish European, 0.000085%; no homozygotes.

Submissions (5):

Labcorp Genetics (formerly Invitae), Labcorp
Classification: Pathogenic for Familial adenomatous polyposis 1. Last evaluated: 2025-11-18. Review status: criteria provided, single submitter. Criteria: Invitae Variant Classification Sherloc (09022015). Collection method: clinical testing. Allele origin: germline.
Comment: This sequence change creates a premature translational stop signal (p.Gln1071*) in the APC gene. While this is not anticipated to result in nonsense mediated decay, it is expected to disrupt the last 1773 amino acid(s) of the APC protein. This variant is not present in population databases (gnomAD no frequency). This premature translational stop signal has been observed in individual(s) with familial adenomatous polyposis (PMID: 11247896). ClinVar contains an entry for this variant (Variation ID: 232078). This variant is expected to disrupt the EB1 and HDLG binding sites, which mediate interactions with the cytoskeleton (PMID: 15311282, 17293347). While functional studies have not been performed to directly test the effect on APC protein function, this suggests that disruption of the C-terminal portion of the protein is functionally important. A different truncation (p.Tyr2645Lysfs*14) that lies downstream of this variant has been determined to be pathogenic (PMID: 9824584, 1316610, 27081525, 8381579, 22135120, internal data). This suggests that deletion of this region of the APC protein is causative of disease. For these reasons, this variant has been classified as Pathogenic.

Ambry Genetics
Classification: Pathogenic for Hereditary cancer-predisposing syndrome. Last evaluated: 2025-08-05. Review status: criteria provided, single submitter. Criteria: Ambry Variant Classification Scheme 2023. Collection method: clinical testing. Allele origin: germline.
Comment: The p.Q1071* pathogenic mutation (also known as c.3211C>T), located in coding exon 15 of the APC gene, results from a C to T substitution at nucleotide position 3211. This changes the amino acid from a glutamine to a stop codon within coding exon 15. This alteration occurs at the 3' terminus of theAPC gene, is not expected to trigger nonsense-mediated mRNA decay, and impacts the last 62% of the protein. However, premature stop codons are typically deleterious in nature and the impacted region is critical for protein function and a significant portion of the protein is affected (Ambry internal data). This mutation has been reported in multiple individuals diagnosed with familial adenomatous polyposis (FAP) or attenuated FAP (AFAP) (Friedl W et al. Gut, 2001 Apr;48:515-21; Friedl W et al. Hered Cancer Clin Pract, 2005 Sep;3:95-114; Kerr SE et al. J Mol Diagn, 2013 Jan;15:31-43). This variant is considered to be rare based on population cohorts in the Genome Aggregation Database (gnomAD). Based on the supporting evidence, this alteration is interpreted as a disease-causing mutation.

Myriad Genetics, Inc.
Classification: Pathogenic for Familial adenomatous polyposis 1. Last evaluated: 2023-05-08. Review status: criteria provided, single submitter. Criteria: Myriad Autosomal Dominant, Autosomal Recessive and X-Linked Classification Criteria (2023). Collection method: clinical testing. Allele origin: unknown.
Comment: This variant is considered pathogenic. This variant creates a termination codon and is predicted to result in premature protein truncation.

Color Diagnostics, LLC DBA Color Health
Classification: Pathogenic for Hereditary cancer-predisposing syndrome. Last evaluated: 2020-04-15. Review status: criteria provided, single submitter. Criteria: ACMG Guidelines, 2015. Collection method: clinical testing. Allele origin: germline.
Comment: This variant changes 1 nucleotide, creating a premature translation stop signal in the last coding exon of the APC gene. While this mutant transcript is predicted to escape nonsense-mediated decay, it is expected to delete 1773 amino acids at the C-terminal end of the APC protein and disrupt the EB1 and HDLG binding domains. This variant has been reported in an individual affected with familial adenomatous polyposis (PMID: 23159591). This variant has not been identified in the general population by the Genome Aggregation Database (gnomAD). Loss of APC function is a known mechanism of disease. Based on the available evidence, this variant is classified as Pathogenic.

Quest Diagnostics Nichols Institute San Juan Capistrano
Classification: Pathogenic. Last evaluated: 2017-10-03. Review status: criteria provided, single submitter. Criteria: Quest Diagnostics criteria. Collection method: clinical testing. Allele origin: germline.

Literature cited by the submitters: PubMed 11247896 (cited by Labcorp Genetics (formerly Invitae), Labcorp and Ambry Genetics); PubMed 15311282 (cited by Labcorp Genetics (formerly Invitae), Labcorp); PubMed 17293347 (cited by Labcorp Genetics (formerly Invitae), Labcorp); PubMed 9824584 (cited by Labcorp Genetics (formerly Invitae), Labcorp); PubMed 1316610 (cited by Labcorp Genetics (formerly Invitae), Labcorp); PubMed 27081525 (cited by Labcorp Genetics (formerly Invitae), Labcorp); PubMed 8381579 (cited by Labcorp Genetics (formerly Invitae), Labcorp); PubMed 22135120 (cited by Labcorp Genetics (formerly Invitae), Labcorp); PubMed 20223039 (cited by Ambry Genetics); PubMed 23159591 (cited by Ambry Genetics).